The following is an entry in ClinVar:

NM_133259.4(LRPPRC):c.637A>G (p.Ile213Val)

Gene: LRPPRC (leucine rich pentatricopeptide repeat containing; minus strand). Cytogenetic location: 2p21.
Variant type: single nucleotide variant.
Coding change: c.637A>G on transcript NM_133259.4 (MANE Select); coding-DNA position 637, A replaced by G.
Protein change: p.Ile213Val; replaces isoleucine 213 with valine.
Molecular consequence: missense variant.
Genome position (GRCh38, 1-based): chr2:43,977,007, T>C on the plus strand (A>G on the coding strand, the complement: LRPPRC is on the minus strand). VCF-style: chr2-43977007-T-C. GRCh37 (hg19) VCF-style: chr2-44204146-T-C.
Other names: short protein forms I213V.
Identifiers: ClinVar variation 1432993 (VCV001432993.3), dbSNP rs1674086823, ClinGen allele CA346675536.

ClinVar aggregate classification (germline): Uncertain significance (1 of 4 stars; one submission).

Allele frequency attached by ClinVar (database versions not stated): gnomAD exomes below 0.00001; TOPMed below 0.00001.
gnomAD v4.1: 2 of 1,613,288 alleles (0.00012%); highest among the groups gnomAD compares: Non-Finnish European, 0.00017%; no homozygotes.

Submission:

Labcorp Genetics (formerly Invitae), Labcorp
Classification: Uncertain significance. Last evaluated: 2022-06-28. Review status: criteria provided, single submitter. Criteria: Invitae Variant Classification Sherloc (09022015). Collection method: clinical testing. Allele origin: germline.
Comment: This sequence change replaces isoleucine, which is neutral and non-polar, with valine, which is neutral and non-polar, at codon 213 of the LRPPRC protein (p.Ile213Val). This variant is not present in population databases (gnomAD no frequency). This variant has not been reported in the literature in individuals affected with LRPPRC-related conditions. Algorithms developed to predict the effect of missense changes on protein structure and function are either unavailable or do not agree on the potential impact of this missense change (SIFT: "Tolerated"; PolyPhen-2: "Probably Damaging"; Align-GVGD: "Class C0"). In summary, the available evidence is currently insufficient to determine the role of this variant in disease. Therefore, it has been classified as a Variant of Uncertain Significance.